The following is an entry in ClinVar:

NM_000214.3(JAG1):c.2498C>T (p.Ala833Val)

Gene: JAG1 (jagged canonical Notch ligand 1; minus strand). Cytogenetic location: 20p12.2.
Variant type: single nucleotide variant.
Coding change: c.2498C>T on transcript NM_000214.3 (MANE Select); coding-DNA position 2498, C replaced by T.
Protein change: p.Ala833Val; replaces alanine 833 with valine.
Molecular consequence: missense variant.
Genome position (GRCh38, 1-based): chr20:10,642,562, G>A on the plus strand (C>T on the coding strand, the complement: JAG1 is on the minus strand). VCF-style: chr20-10642562-G-A. GRCh37 (hg19) VCF-style: chr20-10623210-G-A.
Other names: c.2498C>T, p.Ala833Val (LRG_1191t1); short protein forms A833V.
Identifiers: ClinVar variation 452945 (VCV000452945.11), dbSNP rs141292792, ClinGen allele CA9764482.

ClinVar aggregate classification (germline): Conflicting classifications of pathogenicity. Review status: criteria provided, conflicting classifications (1 of 4 stars). 5 submissions from 5 submitters: Uncertain significance (3); Likely benign (2). Last evaluated 2025-06-16.

Conditions:
JAG1-related disorder. Also called: JAG1-related condition; JAG1-related disorders.
Cardiovascular phenotype. Identifiers: MedGen CN230736.
Alagille syndrome due to a JAG1 point mutation. Also called: HEPATIC DUCTULAR HYPOPLASIA, SYNDROMATIC; Alagille Syndrome 1; JAG1-Related Alagille Syndrome. Identifiers: Orphanet 261619, Orphanet 52, MedGen C1956125, MONDO:0016862, OMIM 118450.

Allele frequency attached by ClinVar (database versions not stated): gnomAD 0.00002; gnomAD exomes 0.00002; TOPMed 0.00003; ExAC 0.00005; ESP Exome Variant Server 0.00015.
gnomAD v4.1: 28 of 1,613,630 alleles (0.0017%); highest among the groups gnomAD compares: African/African-American, 0.0027%; no homozygotes.

Submissions (5):

PreventionGenetics, part of Exact Sciences
Classification: Uncertain significance for JAG1-related condition. Last evaluated: 2025-06-16. Review status: criteria provided, single submitter. Criteria: ACMG Guidelines, 2015. Collection method: clinical testing. Allele origin: germline.
Comment: The JAG1 c.2498C>T variant is predicted to result in the amino acid substitution p.Ala833Val. To our knowledge, this variant has not been reported in the literature. This variant is reported in 0.0035% of alleles in individuals of European (Non-Finnish) descent in gnomAD. At this time, the clinical significance of this variant is uncertain due to the absence of conclusive functional and genetic evidence.

Ambry Genetics
Classification: Uncertain significance for Cardiovascular phenotype. Last evaluated: 2024-12-20. Review status: criteria provided, single submitter. Criteria: Ambry Variant Classification Scheme 2023. Collection method: clinical testing. Allele origin: germline.
Comment: The p.A833V variant (also known as c.2498C>T), located in coding exon 21 of the JAG1 gene, results from a C to T substitution at nucleotide position 2498. The alanine at codon 833 is replaced by valine, an amino acid with similar properties. This amino acid position is conserved. In addition, the in silico prediction for this alteration is inconclusive. Since supporting evidence is limited at this time, the clinical significance of this alteration remains unclear.

Labcorp Genetics (formerly Invitae), Labcorp
Classification: Likely benign for Alagille syndrome due to a JAG1 point mutation. Last evaluated: 2024-09-21. Review status: criteria provided, single submitter. Criteria: Invitae Variant Classification Sherloc (09022015). Collection method: clinical testing. Allele origin: germline.

Blueprint Genetics
Classification: Likely benign. Last evaluated: 2024-03-02. Review status: criteria provided, single submitter. Criteria: ACMG Guidelines, 2015. Collection method: clinical testing. Allele origin: germline.

GeneDx
Classification: Uncertain significance. Last evaluated: 2018-07-12. Review status: criteria provided, single submitter. Criteria: GeneDx Variant Classification (06012015). Collection method: clinical testing. Allele origin: germline. Affected: yes.
Comment: The A833V variant in the JAG1 gene has not been reported previously as a pathogenic variant, nor as a benign variant, to our knowledge. This variant is observed in 5/111,656 (0.0045%) alleles from individuals of non-Finnish European background in large population cohorts (Lek et al., 2016). The A833V variant is a conservative amino acid substitution, which is not likely to impact secondary protein structure as these residues share similar properties. However, in silico analysis predicts this variant is probably damaging to the protein structure/function. We interpret A833V as a variant of uncertain significance.